The following is an entry in ClinVar:

NM_017514.5(PLXNA3):c.3279G>A (p.Ala1093=)

Gene: PLXNA3 (plexin A3; plus strand). Cytogenetic location: Xq28.
Variant type: single nucleotide variant.
Coding change: c.3279G>A on transcript NM_017514.5 (MANE Select); coding-DNA position 3279, G replaced by A.
Protein change: p.Ala1093=; no amino-acid change (alanine 1093 retained).
Molecular consequence: synonymous variant.
Genome position (GRCh38, 1-based): chrX:154,467,309, G>A. VCF-style: chrX-154467309-G-A. GRCh37 (hg19) VCF-style: chrX-153695652-G-A.
Identifiers: ClinVar variation 3033028 (VCV003033028.2), dbSNP rs782189650, ClinGen allele CA10564601.
Genomic context (GRCh38, chrX:154,467,309, plus strand): 5'-CGACACTGCCATGCTGTGTAAGGCCCCCGGCATCTTTCTTGGGCGGCCCCAGCCTCGGGC[G>A]CAAGGCGAGCACCCTGATGAGTTTGGCTTCCTGCTGGACCACGTGCAAACGGCCCGCTCC-3'
Protein context (NP_059984.3, residues 1083-1103): GIFLGRPQPR[Ala1093=]QGEHPDEFGF

ClinVar aggregate classification (germline): Likely benign (0 of 4 stars; one submission).

Conditions:
PLXNA3-related disorder. Also called: PLXNA3-related condition.

Submission:

PreventionGenetics, part of Exact Sciences
Classification: Likely benign for PLXNA3-related condition. Last evaluated: 2021-09-10. Review status: no assertion criteria provided. Collection method: clinical testing. Allele origin: germline.
Comment: This variant is classified as likely benign based on ACMG/AMP sequence variant interpretation guidelines (Richards et al. 2015 PMID: 25741868, with internal and published modifications).